The following is an entry in ClinVar:

NM_000038.6(APC):c.2815A>T (p.Lys939Ter)

Gene: APC (APC regulator of Wnt signaling pathway; plus strand). Cytogenetic location: 5q22.2.
Variant type: single nucleotide variant.
Coding change: c.2815A>T on transcript NM_000038.6 (MANE Select); coding-DNA position 2815, A replaced by T.
Protein change: p.Lys939Ter; replaces lysine 939 with a stop codon.
Molecular consequence: nonsense.
Genome position (GRCh38, 1-based): chr5:112,838,409, A>T. VCF-style: chr5-112838409-A-T. GRCh37 (hg19) VCF-style: chr5-112174106-A-T.
Other names: c.2815A>T, p.Lys939Ter (NM_001127510.3, NM_001354895.2); c.2761A>T, p.Lys921Ter (NM_001127511.3); c.2869A>T, p.Lys957Ter (NM_001354896.2); c.2845A>T, p.Lys949Ter (NM_001354897.2); c.2740A>T, p.Lys914Ter (NM_001354898.2); c.2731A>T, p.Lys911Ter (NM_001354899.2); c.2692A>T, p.Lys898Ter (NM_001354900.2); c.2638A>T, p.Lys880Ter (NM_001354901.2); and 5 more; short protein forms K656*, K779*, K838*, K848*, K880*, K911*, K921*, K939*.
Identifiers: ClinVar variation 952619 (VCV000952619.11), dbSNP rs1765271867, ClinGen allele CA16027471.

ClinVar aggregate classification (germline): Pathogenic (1 of 4 stars; one submission).

Conditions:
Familial adenomatous polyposis 1 (FAP1). Also called: POLYPOSIS, ADENOMATOUS INTESTINAL; FAMILIAL ADENOMATOUS POLYPOSIS 1, ATTENUATED. Identifiers: MedGen C2713442, MONDO:0021056, OMIM 175100. Disease mechanism: loss of function.

Submission:

Labcorp Genetics (formerly Invitae), Labcorp
Classification: Pathogenic for Familial adenomatous polyposis 1. Last evaluated: 2021-02-17. Review status: criteria provided, single submitter. Criteria: Invitae Variant Classification Sherloc (09022015). Collection method: clinical testing. Allele origin: germline.
Comment: For these reasons, this variant has been classified as Pathogenic. A different truncation (p.Tyr2645Lysfs*14) that lies downstream of this variant has been determined to be pathogenic (PMID: 9824584, 1316610, 27081525, 8381579, 22135120, Invitae). This suggests that deletion of this region of the APC protein is causative of disease. This variant is expected to disrupt the EB1 and HDLG binding sites, which mediate interactions with the cytoskeleton (PMID: 15311282, 17293347). While functional studies have not been performed to directly test the effect on APC protein function, this suggests that disruption of the C-terminal portion of the protein is functionally important. This variant has been observed in an individual with clinical features of familial adenomatous polyposis (Invitae), and in an individual referred for genetic testing (PMID: 23159591). This variant is not present in population databases (ExAC no frequency). This sequence change results in a premature translational stop signal in the APC gene (p.Lys939*). While this is not anticipated to result in nonsense mediated decay, it is expected to disrupt the last 1,905 amino acids of the APC protein.

Literature cited by the submitters: PubMed 9824584; PubMed 1316610; PubMed 27081525; PubMed 8381579; PubMed 22135120; PubMed 15311282; PubMed 17293347; PubMed 23159591.